The following is an entry in ClinVar:

NM_000204.5(CFI):c.170G>A (p.Gly57Asp)

Gene: CFI (complement factor I; minus strand). Cytogenetic location: 4q25.
Variant type: single nucleotide variant.
Coding change: c.170G>A on transcript NM_000204.5 (MANE Select); coding-DNA position 170, G replaced by A.
Protein change: p.Gly57Asp; replaces glycine 57 with aspartic acid.
Molecular consequence: missense variant. On other transcripts: non-coding transcript variant (3), intron variant (1).
Genome position (GRCh38, 1-based): chr4:109,766,712, C>T on the plus strand (G>A on the coding strand, the complement: CFI is on the minus strand). VCF-style: chr4-109766712-C-T. GRCh37 (hg19) VCF-style: chr4-110687868-C-T.
Other names: c.170G>A, p.Gly57Asp (NM_001318057.2, NM_001331035.2, NM_001375278.1 and 10 more transcripts); c.-127-5020G>A (NM_001375284.1); short protein forms G57D.
Identifiers: ClinVar variation 4280489 (VCV004280489.1).
Genomic context (GRCh38, chr4:109,766,712, plus strand): 5'-GTTGCACACACTGCAGTGCCATTCTTTGGGCACTGATACGGTAGTTTACAAACACAGGTG[C>T]CCTCAATGCATCTCTGCCATGGCTGGCAGAAGACTTTATCGCAGGAGAGGTGAGTATATT-3'
Protein context (NP_000195.3, residues 47-67): FCQPWQRCIE[Gly57Asp]TCVCKLPYQC

ClinVar aggregate classification (germline): Uncertain significance (1 of 4 stars; one submission).

Conditions:
C3 glomerulonephritis. Also called: C3 GLOMERULOPATHY 3; Nephropathy due to CFHR5 Deficiency. Identifiers: Orphanet 329931, MedGen C4055342, MONDO:0013892, OMIM 614809.

Submission:

Genomenon, Inc
Classification: Uncertain significance for C3 glomerulonephritis. Last evaluated: 2025-09-26. Review status: criteria provided, single submitter. Criteria: Genomenon Sequence Variant Interpretation Standards - Updated. Collection method: curation. Allele origin: germline. Affected: yes.
Comment: CFI p.Gly57Asp (c.170G>A) is a missense variant that changes the amino acid at residue 57 from Glycine to Aspartic acid. This variant has been observed in at least one proband affected with C3 glomerulonephritis (PMID:35619721;26895476). It is absent or not present at a significant frequency in gnomAD. In conclusion, we classify CFI p.Gly57Asp (c.170G>A) as a variant of unknown significance.

Literature cited by the submitters: PubMed 35619721; 26895476.